The following is an entry in ClinVar:

ClinVar aggregate classification (germline): Uncertain significance (1 of 4 stars; one submission).

Submission:

Greenwood Genetic Center Diagnostic Laboratories, Greenwood Genetic Center
Classification: Uncertain significance. Last evaluated: 2026-04-17. Review status: criteria provided, single submitter. Criteria: ACMG Guidelines, 2015. Collection method: clinical testing. Allele origin: germline.
Comment: Gene of Uncertain Significance

NM_004235.6(KLF4):c.1210G>A (p.Gly404Ser)

Gene: KLF4 (KLF transcription factor 4; minus strand). Cytogenetic location: 9q31.2.
Variant type: single nucleotide variant.
Coding change: c.1210G>A on transcript NM_004235.6 (MANE Select); coding-DNA position 1210, G replaced by A.
Protein change: p.Gly404Ser; replaces glycine 404 with serine.
Molecular consequence: missense variant.
Genome position (GRCh38, 1-based): chr9:107,487,082, C>T on the plus strand (G>A on the coding strand, the complement: KLF4 is on the minus strand). VCF-style: chr9-107487082-C-T. GRCh37 (hg19) VCF-style: chr9-110249363-C-T.
Other names: c.1312G>A, p.Gly438Ser (NM_001314052.2); short protein forms G404S, G438S.
Identifiers: ClinVar variation 4891228 (VCV004891228.1).